The following is an entry in ClinVar:

NM_000051.4(ATM):c.1668_2466+1284del

Gene: ATM (ATM serine/threonine kinase; plus strand). Cytogenetic location: 11q22.3.
Variant type: Deletion.
Coding change: c.1668_2466+1284del on transcript NM_000051.4 (MANE Select); coding-DNA position 1668 through 1284 bases into the intron after coding-DNA position 2466, 8,463 bases deleted.
Molecular consequence: splice acceptor variant, splice donor variant.
Genome position (GRCh38, 1-based): chr11:108,251,897-108,260,359, 8,463 bases deleted. GRCh37 (hg19): chr11:108,122,624-108,131,086.
Other names: c.1668_2466+1284del (NM_001351834.2).
Identifiers: ClinVar variation 842868 (VCV000842868.1), ClinGen allele CA916080444.

ClinVar aggregate classification (germline): Likely pathogenic (1 of 4 stars; one submission).

Conditions:
Ataxia-telangiectasia syndrome (AT). Also called: Ataxia-telangiectasia, complementation group D; AT, COMPLEMENTATION GROUP C; Ataxia telangiectasia (A-T); Cerebello-oculocutaneous telangiectasia; Immunodeficiency with ataxia telangiectasia; Ataxia-telangiectasia. Identifiers: Orphanet 100, MedGen C0004135, MONDO:0008840, OMIM 208900.

Submission:

Labcorp Genetics (formerly Invitae), Labcorp
Classification: Likely pathogenic for Ataxia-telangiectasia syndrome. Last evaluated: 2019-12-26. Review status: criteria provided, single submitter. Criteria: Invitae Variant Classification Sherloc (09022015). Collection method: clinical testing. Allele origin: germline.
Comment: This variant results in the deletion of exon(s) 12-16 and part of exon 11 (c.1666_2466+1282del) of the ATM gene. It is expected to disrupt RNA splicing and likely results in an absent or disrupted protein product. This variant has not been reported in the literature in individuals with ATM-related conditions. Loss-of-function variants in ATM are known to be pathogenic (PMID: 23807571, 25614872). In summary, the currently available evidence indicates that the variant is pathogenic, but additional data are needed to prove that conclusively. Therefore, this variant has been classified as Likely Pathogenic.